The following is an entry in ClinVar:

ClinVar aggregate classification (germline): Pathogenic. Review status: criteria provided, multiple submitters, no conflicts (2 of 4 stars). 2 submissions from 2 submitters: Pathogenic (2). Last evaluated 2025-05-27.

Conditions:
Neurofibromatosis, type 1 (NF1). Also called: VON RECKLINGHAUSEN DISEASE; NEUROFIBROMATOSIS, TYPE I, SOMATIC; Peripheral type neurofibromatosis; Neurofibromatosis, type I. Identifiers: Orphanet 636, MedGen C0027831, MONDO:0018975, OMIM 162200. Disease mechanism: loss of function.

Submissions (2):

Labcorp Genetics (formerly Invitae), Labcorp
Classification: Pathogenic for Neurofibromatosis, type 1. Last evaluated: 2025-05-27. Review status: criteria provided, single submitter. Criteria: Invitae Variant Classification Sherloc (09022015). Collection method: clinical testing. Allele origin: germline.
Comment: This sequence change creates a premature translational stop signal (p.Glu1334*) in the NF1 gene. It is expected to result in an absent or disrupted protein product. Loss-of-function variants in NF1 are known to be pathogenic (PMID: 10712197, 23913538). This variant is not present in population databases (gnomAD no frequency). This premature translational stop signal has been observed in individual(s) with neurofibromatosis type 1 (PMID: 23913538). ClinVar contains an entry for this variant (Variation ID: 565647). For these reasons, this variant has been classified as Pathogenic.

GeneDx
Classification: Pathogenic. Last evaluated: 2022-11-10. Review status: criteria provided, single submitter. Criteria: GeneDx Variant Classification Process June 2021. Collection method: clinical testing. Allele origin: germline. Affected: yes.
Comment: Nonsense variant predicted to result in protein truncation or nonsense mediated decay in a gene for which loss of function is a known mechanism of disease; Not observed at significant frequency in large population cohorts (gnomAD); This variant is associated with the following publications: (PMID: 23913538, 33443663, 32091409)

Literature cited by the submitters: PubMed 10712197 (cited by Labcorp Genetics (formerly Invitae), Labcorp); PubMed 23913538 (cited by Labcorp Genetics (formerly Invitae), Labcorp).

NM_001042492.3(NF1):c.4000G>T (p.Glu1334Ter)

Gene: NF1 (neurofibromin 1; plus strand). Cytogenetic location: 17q11.2.
Variant type: single nucleotide variant.
Coding change: c.4000G>T on transcript NM_001042492.3 (MANE Select); coding-DNA position 4000, G replaced by T.
Protein change: p.Glu1334Ter; replaces glutamic acid 1334 with a stop codon.
Molecular consequence: nonsense.
Genome position (GRCh38, 1-based): chr17:31,249,009, G>T. VCF-style: chr17-31249009-G-T. GRCh37 (hg19) VCF-style: chr17-29576027-G-T.
Other names: c.4000G>T, p.Glu1334Ter (NM_000267.4); short protein forms E1334*.
Identifiers: ClinVar variation 565647 (VCV000565647.6), dbSNP rs878853892, ClinGen allele CA398994861.